The following is an entry in ClinVar:

ClinVar aggregate classification (germline): Uncertain significance (0 of 4 stars; one submission).

Conditions:
Prostate cancer. Also called: Malignant tumor of prostate. Identifiers: Orphanet 1331, MedGen C0376358, MONDO:0008315, HP:0012125.

Submission:

Science for Life laboratory,  Karolinska Institutet
Classification: Uncertain significance for Malignant tumor of prostate. Review status: no assertion criteria provided. Collection method: not provided. Allele origin: somatic.
Comment: TumorID:SWE-18
ClinVar note: Converted during submission from Unknown to Uncertain significance.

NM_138391.6(TMEM183A):c.708+1G>A

Gene: TMEM183A (transmembrane protein 183A; plus strand). Cytogenetic location: 1q32.1.
Variant type: single nucleotide variant.
Coding change: c.708+1G>A on transcript NM_138391.6 (MANE Select); the canonical splice donor site of the intron after coding-DNA position 708, G replaced by A.
Molecular consequence: splice donor variant.
Genome position (GRCh38, 1-based): chr1:203,016,141, G>A. VCF-style: chr1-203016141-G-A. GRCh37 (hg19) VCF-style: chr1-202985269-G-A.
Other names: c.708+1G>A (NM_001322957.2); c.705+1G>A (NM_001322956.2, NM_001322955.2); c.618+1G>A (NM_001322958.2); c.615+1G>A (NM_001322959.2); c.411+1G>A (NM_001349859.1); c.408+1G>A (NM_001349862.1).
Identifiers: ClinVar variation 161802 (VCV000161802.2), dbSNP rs193920903, ClinGen allele CA174814.